The following is an entry in ClinVar:

ClinVar aggregate classification (germline): Uncertain significance. Review status: criteria provided, multiple submitters, no conflicts (2 of 4 stars). 3 submissions from 3 submitters: Uncertain significance (2). 1 of the submissions does not count toward it. Last evaluated 2026-02-03.

Conditions:
ARIH1-related disorder. Also called: ARIH1-related condition.

Submissions (3):

Labcorp Genetics (formerly Invitae), Labcorp
Classification: Uncertain significance. Last evaluated: 2026-02-03. Review status: criteria provided, single submitter. Criteria: Invitae Variant Classification Sherloc (09022015). Collection method: clinical testing. Allele origin: germline.
Comment: This variant, c.252_257dup, results in the insertion of 2 amino acid(s) of the ARIH1 protein (p.Gly89_Gly90dup), but otherwise preserves the integrity of the reading frame. The frequency data for this variant in the population databases is considered unreliable, as metrics indicate poor data quality at this position in the gnomAD database. This variant has not been reported in the literature in individuals affected with ARIH1-related conditions. Experimental studies and prediction algorithms are not available or were not evaluated, and the functional significance of this variant is currently unknown. In summary, the available evidence is currently insufficient to determine the role of this variant in disease. Therefore, it has been classified as a Variant of Uncertain Significance.

Breakthrough Genomics
Classification: Uncertain significance. Review status: criteria provided, single submitter. Criteria: ACMG Guidelines, 2015. Collection method: not provided. Allele origin: germline. Inheritance: Unknown mechanism. Affected: yes.

PreventionGenetics, part of Exact Sciences
Classification: Likely benign for ARIH1-related condition. Last evaluated: 2022-08-02. Review status: no assertion criteria provided. Collection method: clinical testing. Allele origin: germline. Not counted in ClinVar's aggregate classification.
Comment: This variant is classified as likely benign based on ACMG/AMP sequence variant interpretation guidelines (Richards et al. 2015 PMID: 25741868, with internal and published modifications).

NM_005744.5(ARIH1):c.237CGG[9] (p.Gly89_Gly90dup)

Gene: ARIH1 (ariadne RBR E3 ubiquitin protein ligase 1; plus strand). Cytogenetic location: 15q24.1.
Variant type: Microsatellite.
Coding change: c.237CGG[9] on transcript NM_005744.5 (MANE Select); nine copies in a row of the 3-base unit CGG starting at c.237; the reference has seven copies in a row; two copies, 6 bases duplicated.
Protein change: p.Gly89_Gly90dup.
Molecular consequence: inframe insertion.
Genome position (GRCh38, 1-based): chr15:72,474,891-72,474,896, CGGCGG duplicated; duplicating any 6 consecutive bases within chr15:72,474,874-72,474,896 gives the same sequence; the position shown is the placement nearest the transcript's 3' end. VCF-style (leftmost placement, unchanged base first): chr15-72474873-T-TGGCGGC. GRCh37 (hg19) VCF-style: chr15-72767214-T-TGGCGGC.
Other names: c.252_257dup6 (NM_005744.3).
Identifiers: ClinVar variation 1349171 (VCV001349171.9), dbSNP rs375614248, ClinGen allele CA7645450.
Genomic context (GRCh38, chr15:72,474,873, plus strand): 5'-GGACGGACTGCTGTGCGGGGAGACGGGCGGTGGCGGCGGCAGCGCTCTGGGGCCCGGCGG[T>TGGCGGC]GGCGGCGGCGGCGGCGGCGGCGGTGGTGGTGGCGGGCCGGGGCATGAGCAGGAGGAGGAT-3'